The following is an entry in ClinVar:

NM_000489.6(ATRX):c.1561C>G (p.Pro521Ala)

Gene: ATRX (ATRX chromatin remodeler; minus strand). Cytogenetic location: Xq21.1.
Variant type: single nucleotide variant.
Coding change: c.1561C>G on transcript NM_000489.6 (MANE Select); coding-DNA position 1561, C replaced by G.
Protein change: p.Pro521Ala; replaces proline 521 with alanine.
Molecular consequence: missense variant.
Genome position (GRCh38, 1-based): chrX:77,683,695, G>C on the plus strand (C>G on the coding strand, the complement: ATRX is on the minus strand). VCF-style: chrX-77683695-G-C. GRCh37 (hg19) VCF-style: chrX-76939187-G-C.
Other names: c.1561C>G (NM_000489.4); c.1447C>G, p.Pro483Ala (NM_138270.5); short protein forms P483A, P521A.
Identifiers: ClinVar variation 1160095 (VCV001160095.11), dbSNP rs782314240, ClinGen allele CA10458188.

ClinVar aggregate classification (germline): Likely benign. Review status: criteria provided, single submitter (1 of 4 stars). 2 submissions from 2 submitters: Likely benign (1). 1 of the submissions does not count toward it. Last evaluated 2026-01-17.

Conditions:
Alpha thalassemia-X-linked intellectual disability syndrome (ATRX). Also called: X-linked alpha-thalassemia-mental retardation syndrome; ALPHA-THALASSEMIA/IMPAIRED INTELLECTUAL DEVELOPMENT SYNDROME, X-LINKED; ALPHA-THALASSEMIA/MENTAL RETARDATION SYNDROME, X-LINKED; ATR, NONDELETION TYPE; ATR-X syndrome; Alpha thalassemia mental retardation syndrome, nondeletion type, X-linked. Identifiers: Orphanet 847, MedGen C1845055, MONDO:0010519, OMIM 301040.
ATRX-related disorder. Also called: ATRX-related condition.

Allele frequency attached by ClinVar (database versions not stated): ExAC 0.00002; gnomAD 0.00002; gnomAD exomes 0.00002; TOPMed 0.00002.
gnomAD v4.1: 19 of 1,209,492 alleles (0.0016%); highest among the groups gnomAD compares: Non-Finnish European, 0.00045%; no homozygotes.

Submissions (2):

Labcorp Genetics (formerly Invitae), Labcorp
Classification: Likely benign for Alpha thalassemia-X-linked intellectual disability syndrome. Last evaluated: 2026-01-17. Review status: criteria provided, single submitter. Criteria: Invitae Variant Classification Sherloc (09022015). Collection method: clinical testing. Allele origin: germline.

PreventionGenetics, part of Exact Sciences
Classification: Likely benign for ATRX-related condition. Last evaluated: 2022-09-02. Review status: no assertion criteria provided. Collection method: clinical testing. Allele origin: germline. Not counted in ClinVar's aggregate classification.
Comment: This variant is classified as likely benign based on ACMG/AMP sequence variant interpretation guidelines (Richards et al. 2015 PMID: 25741868, with internal and published modifications).